The following is an entry in ClinVar:

ClinVar aggregate classification (germline): Likely pathogenic. Review status: criteria provided, single submitter (1 of 4 stars). 2 submissions from 2 submitters: Likely pathogenic (1). 1 of the submissions does not count toward it. Last evaluated 2025-02-09.

Conditions:
Ataxia-telangiectasia syndrome (AT). Also called: Ataxia-telangiectasia, complementation group D; Ataxia-telangiectasia, complementation group E; LOUIS-BAR SYNDROME; AT, COMPLEMENTATION GROUP C; ATAXIA-TELANGIECTASIA, COMPLEMENTATION GROUP A; ATAXIA-TELANGIECTASIA, FRESNO VARIANT. Identifiers: Orphanet 100, MedGen C0004135, MONDO:0008840, OMIM 208900.

Submissions (2):

Labcorp Genetics (formerly Invitae), Labcorp
Classification: Likely pathogenic for Ataxia-telangiectasia syndrome. Last evaluated: 2025-02-09. Review status: criteria provided, single submitter. Criteria: Invitae Variant Classification Sherloc (09022015). Collection method: clinical testing. Allele origin: germline.
Comment: This sequence change affects a donor splice site in intron 59 of the ATM gene. It is expected to disrupt RNA splicing. Variants that disrupt the donor or acceptor splice site typically lead to a loss of protein function (PMID: 16199547), and loss-of-function variants in ATM are known to be pathogenic (PMID: 23807571, 25614872). This variant is not present in population databases (gnomAD no frequency). Disruption of this splice site has been observed in individual(s) with breast cancer (PMID: 36551643). ClinVar contains an entry for this variant (Variation ID: 370094). Algorithms developed to predict the effect of sequence changes on RNA splicing suggest that this variant may disrupt the consensus splice site. In summary, the currently available evidence indicates that the variant is pathogenic, but additional data are needed to prove that conclusively. Therefore, this variant has been classified as Likely Pathogenic.

Counsyl
Classification: Likely pathogenic for Ataxia-telangiectasia syndrome. Last evaluated: 2015-11-19. Review status: no assertion criteria provided. Collection method: clinical testing. Allele origin: unknown. Not counted in ClinVar's aggregate classification.

Literature cited by the submitters: PubMed 16199547 (cited by Labcorp Genetics (formerly Invitae), Labcorp); PubMed 23807571 (cited by Labcorp Genetics (formerly Invitae), Labcorp); PubMed 25614872 (cited by Labcorp Genetics (formerly Invitae), Labcorp); PubMed 36551643 (cited by Labcorp Genetics (formerly Invitae), Labcorp).

NM_000051.4(ATM):c.8671+2T>C

Genes: ATM (ATM serine/threonine kinase; plus strand), C11orf65 (chromosome 11 open reading frame 65; minus strand). Cytogenetic location: 11q22.3.
Variant type: single nucleotide variant.
Coding change: c.8671+2T>C on transcript NM_000051.4 (MANE Select); the canonical splice donor site of the intron after coding-DNA position 8671, T replaced by C.
Molecular consequence: splice donor variant. On other transcripts: intron variant (2).
Genome position (GRCh38, 1-based): chr11:108,347,367, T>C. VCF-style: chr11-108347367-T-C. GRCh37 (hg19) VCF-style: chr11-108218094-T-C.
Other names: c.8671+2T>C (NM_001351834.2); c.641-38296A>G (NM_001330368.2); c.695-12075A>G (NM_001351110.2).
Identifiers: ClinVar variation 370094 (VCV000370094.5), dbSNP rs1057516229, ClinGen allele CA16041430.